The following is an entry in ClinVar:

NM_000784.4(CYP27A1):c.1209C>G (p.Asn403Lys)

Gene: CYP27A1 (cytochrome P450 family 27 subfamily A member 1; plus strand). Cytogenetic location: 2q35.
Variant type: single nucleotide variant.
Coding change: c.1209C>G on transcript NM_000784.4 (MANE Select); coding-DNA position 1209, C replaced by G.
Protein change: p.Asn403Lys; replaces asparagine 403 with lysine.
Molecular consequence: missense variant.
Genome position (GRCh38, 1-based): chr2:218,814,404, C>G. VCF-style: chr2-218814404-C-G. GRCh37 (hg19) VCF-style: chr2-219679127-C-G.
Other names: c.1209C>G; short protein forms N403K.
Identifiers: ClinVar variation 65837 (VCV000065837.11), dbSNP rs587778781, ClinGen allele CA345167.

ClinVar aggregate classification (germline): Conflicting classifications of pathogenicity. Review status: criteria provided, conflicting classifications (1 of 4 stars). 6 submissions from 6 submitters: Likely pathogenic (3); Uncertain significance (1). 2 of the submissions do not count toward it. Last evaluated 2025-04-08.

Conditions:
CYP27A1-related disorder. Also called: CYP27A1-related condition.
Cholestanol storage disease (CTX). Also called: CEREBRAL CHOLESTERINOSIS; Cerebrotendinous Xanthomatosis; CTX: Cerebrotendinous xanthomatosis. Identifiers: Orphanet 909, MedGen C0238052, MONDO:0008948, OMIM 213700.

Submissions (6):

PreventionGenetics, part of Exact Sciences
Classification: Likely pathogenic for CYP27A1-related condition. Last evaluated: 2025-04-08. Review status: criteria provided, single submitter. Criteria: ACMG Guidelines, 2015. Collection method: clinical testing. Allele origin: germline.
Comment: The CYP27A1 c.1209C>G variant is predicted to result in the amino acid substitution p.Asn403Lys. This variant has been reported with a second CYP27A1 variant in individuals with cerebrotendinous xanthomatosis (Castelnovo et al. 2003. PubMed ID: 12933951; Pilo-de-la-Fuente et al. 2011. PubMed ID: 21645175). This variant has not been reported in a large population database (gnomAD), indicating it is rare. This variant is interpreted as likely pathogenic.

Baylor Genetics
Classification: Likely pathogenic for Cholestanol storage disease. Last evaluated: 2023-03-20. Review status: criteria provided, single submitter. Criteria: ACMG Guidelines, 2015. Collection method: clinical testing. Allele origin: unknown.

Labcorp Genetics (formerly Invitae), Labcorp
Classification: Likely pathogenic for Cholestanol storage disease. Last evaluated: 2022-10-05. Review status: criteria provided, single submitter. Criteria: Invitae Variant Classification Sherloc (09022015). Collection method: clinical testing. Allele origin: germline.
Comment: This sequence change replaces asparagine, which is neutral and polar, with lysine, which is basic and polar, at codon 403 of the CYP27A1 protein (p.Asn403Lys). This variant is not present in population databases (gnomAD no frequency). ClinVar contains an entry for this variant (Variation ID: 65837). This missense change has been observed in individual(s) with cerebrotendinous xanthomatosis (PMID: 12933951, 21645175). In summary, the currently available evidence indicates that the variant is pathogenic, but additional data are needed to prove that conclusively. Therefore, this variant has been classified as Likely Pathogenic. Algorithms developed to predict the effect of sequence changes on RNA splicing suggest that this variant may create or strengthen a splice site. Advanced modeling of protein sequence and biophysical properties (such as structural, functional, and spatial information, amino acid conservation, physicochemical variation, residue mobility, and thermodynamic stability) has been performed at Invitae for this missense variant, however the output from this modeling did not meet the statistical confidence thresholds required to predict the impact of this variant on CYP27A1 protein function.

Fulgent Genetics
Classification: Uncertain significance for Cholestanol storage disease. Last evaluated: 2021-07-23. Review status: criteria provided, single submitter. Criteria: ACMG Guidelines, 2015. Collection method: clinical testing. Allele origin: unknown.

Counsyl
Classification: Uncertain significance for Cholestanol storage disease. Last evaluated: 2017-02-10. Review status: no assertion criteria provided. Collection method: clinical testing. Allele origin: unknown. Not counted in ClinVar's aggregate classification.

GeneReviews
Classification: Pathogenic for Cerebrotendinous Xanthomatosis. Last evaluated: 2013-08-01. Review status: no assertion criteria provided. Collection method: curation. Allele origin: unknown. Not counted in ClinVar's aggregate classification.
ClinVar note: Converted during submission from pathologic to Pathogenic.

Literature cited by the submitters: PubMed 12933951 (cited by Labcorp Genetics (formerly Invitae), Labcorp and Counsyl); PubMed 21645175 (cited by Labcorp Genetics (formerly Invitae), Labcorp and Counsyl).